The following is an entry in ClinVar:

ClinVar aggregate classification (germline): Pathogenic. Review status: criteria provided, multiple submitters, no conflicts (2 of 4 stars). 2 submissions from 2 submitters: Pathogenic (2). Last evaluated 2025-12-01.

Conditions:
Cardiovascular phenotype. Identifiers: MedGen CN230736.
Capillary malformation-arteriovenous malformation syndrome. Also called: Capillary malformation-arteriovenous malformation. Identifiers: Orphanet 137667, MedGen C1842180, MONDO:0012016.

Submissions (2):

Labcorp Genetics (formerly Invitae), Labcorp
Classification: Pathogenic for Capillary malformation-arteriovenous malformation syndrome. Last evaluated: 2025-12-01. Review status: criteria provided, single submitter. Criteria: Invitae Variant Classification Sherloc (09022015). Collection method: clinical testing. Allele origin: germline.
Comment: This sequence change creates a premature translational stop signal (p.Leu578*) in the RASA1 gene. It is expected to result in an absent or disrupted protein product. Loss-of-function variants in RASA1 are known to be pathogenic (PMID: 24038909). This variant is not present in population databases (gnomAD no frequency). This variant has not been reported in the literature in individuals affected with RASA1-related conditions. ClinVar contains an entry for this variant (Variation ID: 3942977). For these reasons, this variant has been classified as Pathogenic.

Ambry Genetics
Classification: Pathogenic for Cardiovascular phenotype. Last evaluated: 2025-04-22. Review status: criteria provided, single submitter. Criteria: Ambry Variant Classification Scheme 2023. Collection method: clinical testing. Allele origin: germline.
Comment: The p.L578* pathogenic mutation (also known as c.1733T>G), located in coding exon 13 of the RASA1 gene, results from a T to G substitution at nucleotide position 1733. This changes the amino acid from a leucine to a stop codon within coding exon 13. This variant was reported in individual(s) with features consistent with RASA1-related capillary malformation-arteriovenous malformation syndrome (Ambry internal data). This variant is considered to be rare based on population cohorts in the Genome Aggregation Database (gnomAD). This alteration is expected to result in loss of function by premature protein truncation or nonsense-mediated mRNA decay. As such, this alteration is interpreted as a disease-causing mutation.

Literature cited by the submitters: PubMed 24038909 (cited by Labcorp Genetics (formerly Invitae), Labcorp).

NM_002890.3(RASA1):c.1733T>G (p.Leu578Ter)

Genes: CCNH (cyclin H; minus strand), RASA1 (RAS p21 protein activator 1; plus strand). Cytogenetic location: 5q14.3.
Variant type: single nucleotide variant.
Coding change: c.1733T>G on transcript NM_002890.3 (MANE Select); coding-DNA position 1733, T replaced by G.
Protein change: p.Leu578Ter; replaces leucine 578 with a stop codon.
Molecular consequence: nonsense. On other transcripts: intron variant (1).
Genome position (GRCh38, 1-based): chr5:87,372,152, T>G. VCF-style: chr5-87372152-T-G. GRCh37 (hg19) VCF-style: chr5-86667969-T-G.
Other names: c.1202T>G, p.Leu401Ter (NM_022650.3); c.933+22892A>C (NM_001364075.2); short protein forms L401*, L578*.
Identifiers: ClinVar variation 3942977 (VCV003942977.1).